The following is an entry in ClinVar:

ClinVar aggregate classification (germline): Benign/Likely benign. Review status: criteria provided, multiple submitters, no conflicts (2 of 4 stars). 2 submissions from 2 submitters: Benign (1); Likely benign (1). Last evaluated 2024-04-04.

Conditions:
Hereditary cancer-predisposing syndrome. Also called: Hereditary Cancer Syndrome; Hereditary neoplastic syndrome; Neoplastic Syndromes, Hereditary; Tumor predisposition. Identifiers: Orphanet 140162, MedGen C0027672, MeSH D009386, MONDO:0015356.
Familial adenomatous polyposis 1 (FAP1). Also called: FAMILIAL ADENOMATOUS POLYPOSIS 1, ATTENUATED; POLYPOSIS, ADENOMATOUS INTESTINAL. Identifiers: MedGen C2713442, MONDO:0021056, OMIM 175100. Disease mechanism: loss of function.

Submissions (2):

Myriad Genetics, Inc.
Classification: Benign for Familial adenomatous polyposis 1. Last evaluated: 2024-04-04. Review status: criteria provided, single submitter. Criteria: Myriad Autosomal Dominant, Autosomal Recessive and X-Linked Classification Criteria (2023). Collection method: clinical testing. Allele origin: unknown.
Comment: This variant is considered benign. This variant is a silent/synonymous amino acid change and it is not expected to impact splicing.

Ambry Genetics
Classification: Likely benign for Hereditary cancer-predisposing syndrome. Last evaluated: 2022-05-02. Review status: criteria provided, single submitter. Criteria: Ambry Variant Classification Scheme 2023. Collection method: clinical testing. Allele origin: germline.

NM_000038.6(APC):c.6279C>G (p.Ser2093=)

Gene: APC (APC regulator of Wnt signaling pathway; plus strand). Cytogenetic location: 5q22.2.
Variant type: single nucleotide variant.
Coding change: c.6279C>G on transcript NM_000038.6 (MANE Select); coding-DNA position 6279, C replaced by G.
Protein change: p.Ser2093=; no amino-acid change (serine 2093 retained).
Molecular consequence: synonymous variant. On other transcripts: non-coding transcript variant (2).
Genome position (GRCh38, 1-based): chr5:112,841,873, C>G. VCF-style: chr5-112841873-C-G. GRCh37 (hg19) VCF-style: chr5-112177570-C-G.
Other names: c.6279C>G, p.Ser2093= (NM_001127510.3, NM_001354895.2, NM_001407450.1); c.6225C>G, p.Ser2075= (NM_001127511.3); c.6333C>G, p.Ser2111= (NM_001354896.2, NM_001407447.1, NM_001407448.1 and 1 more transcripts); c.6309C>G, p.Ser2103= (NM_001354897.2); c.6204C>G, p.Ser2068= (NM_001354898.2); c.6195C>G, p.Ser2065= (NM_001354899.2); c.6156C>G, p.Ser2052= (NM_001354900.2); c.6102C>G, p.Ser2034= (NM_001354901.2, NM_001407453.1); and 11 more.
Identifiers: ClinVar variation 1752568 (VCV001752568.3), dbSNP rs876659090, ClinGen allele CA446209503.
Genomic context (GRCh38, chr5:112,841,873, plus strand): 5'-TGAAGATCTGACACTTGATTTGAAAGATATACAGAGACCAGATTCAGAACATGGTCTATC[C>G]CCTGATTCAGAAAATTTTGATTGGAAAGCTATTCAGGAAGGTGCAAATTCCATAGTAAGT-3'
Protein context (NP_000029.2, residues 2083-2103): IQRPDSEHGL[Ser2093=]PDSENFDWKA